The following is an entry in ClinVar:

NM_001283009.2(RTEL1):c.2944C>T (p.His982Tyr)

Genes: RTEL1 (regulator of telomere elongation helicase 1; plus strand), RTEL1-TNFRSF6B (RTEL1-TNFRSF6B readthrough (NMD candidate); plus strand). Cytogenetic location: 20q13.33.
Variant type: single nucleotide variant.
Coding change: c.2944C>T on transcript NM_001283009.2 (MANE Select); coding-DNA position 2944, C replaced by T.
Protein change: p.His982Tyr; replaces histidine 982 with tyrosine.
Molecular consequence: missense variant. On other transcripts: non-coding transcript variant (1).
Genome position (GRCh38, 1-based): chr20:63,693,235, C>T. VCF-style: chr20-63693235-C-T. GRCh37 (hg19) VCF-style: chr20-62324588-C-T.
Other names: c.2275C>T, p.His759Tyr (NM_001283010.1); c.2944C>T, p.His982Tyr (NM_016434.4); c.3016C>T, p.His1006Tyr (NM_032957.5); short protein forms H759Y, H982Y, H1006Y.
Identifiers: ClinVar variation 1704384 (VCV001704384.2), dbSNP rs2517170153, ClinGen allele CA409683352.

ClinVar aggregate classification (germline): Uncertain significance. Review status: criteria provided, multiple submitters, no conflicts (2 of 4 stars). 2 submissions from 2 submitters: Uncertain significance (2). Last evaluated 2025-01-06.

Conditions:
Pulmonary fibrosis and/or bone marrow failure, Telomere-related, 3. Also called: PULMONARY FIBROSIS AND/OR BONE MARROW FAILURE SYNDROME, TELOMERE-RELATED, 3. Identifiers: Orphanet 2032, MedGen C4225346, MONDO:0014613, OMIM 616373.
Inborn genetic diseases. Identifiers: MedGen C0950123, MeSH D030342.

gnomAD v4.1: 1 of 1,612,046 alleles (0.000062%); highest among the groups gnomAD compares: Non-Finnish European, 0.000085%; no homozygotes.

Submissions (2):

Ambry Genetics
Classification: Uncertain significance for Inborn genetic diseases. Last evaluated: 2025-01-06. Review status: criteria provided, single submitter. Criteria: Ambry Variant Classification Scheme 2023. Collection method: clinical testing. Allele origin: germline.
Comment: The p.H982Y variant (also known as c.2944C>T), located in coding exon 29 of the RTEL1 gene, results from a C to T substitution at nucleotide position 2944. The histidine at codon 982 is replaced by tyrosine, an amino acid with similar properties. This amino acid position is conserved. In addition, this alteration is predicted to be tolerated by in silico analysis. Based on the available evidence, the clinical significance of this variant remains unclear.

Johns Hopkins Genomics, Johns Hopkins University
Classification: Uncertain significance for Pulmonary fibrosis and/or bone marrow failure, Telomere-related, 3. Last evaluated: 2022-01-11. Review status: criteria provided, single submitter. Criteria: ACMG Guidelines, 2015. Collection method: clinical testing. Allele origin: germline.
Comment: This RTEL1 variant is absent from a large population dataset and has not been reported in ClinVar nor the literature, to our knowledge. Three bioinformatic tools queried predict that this substitution would be damaging and the histidine residue at this position is evolutionarily conserved across many of the species assessed. We consider the clinical significance of RTEL1 c.2944C>T to be uncertain at this time.

Literature cited by the submitters: PubMed 26022962 (cited by Johns Hopkins Genomics, Johns Hopkins University).